The following is an entry in ClinVar:

ClinVar aggregate classification (germline): Uncertain significance (1 of 4 stars; one submission).

Submission:

Labcorp Genetics (formerly Invitae), Labcorp
Classification: Uncertain significance. Last evaluated: 2022-08-31. Review status: criteria provided, single submitter. Criteria: Invitae Variant Classification Sherloc (09022015). Collection method: clinical testing. Allele origin: germline.
Comment: This sequence change replaces glutamine, which is neutral and polar, with histidine, which is basic and polar, at codon 8 of the PQBP1 protein (p.Gln8His). This variant is not present in population databases (gnomAD no frequency). This variant has not been reported in the literature in individuals affected with PQBP1-related conditions. Algorithms developed to predict the effect of missense changes on protein structure and function are either unavailable or do not agree on the potential impact of this missense change (SIFT: "Tolerated"; PolyPhen-2: "Possibly Damaging"; Align-GVGD: "Class C0"). In summary, the available evidence is currently insufficient to determine the role of this variant in disease. Therefore, it has been classified as a Variant of Uncertain Significance.

NM_001032382.2(PQBP1):c.24G>T (p.Gln8His)

Genes: PQBP1 (polyglutamine binding protein 1; plus strand), LOC130068256 (ATAC-STARR-seq lymphoblastoid active region 29617; plus strand). Cytogenetic location: Xp11.23.
Variant type: single nucleotide variant.
Coding change: c.24G>T on transcript NM_001032382.2 (MANE Select); coding-DNA position 24, G replaced by T.
Protein change: p.Gln8His; replaces glutamine 8 with histidine.
Molecular consequence: missense variant.
Genome position (GRCh38, 1-based): chrX:48,898,533, G>T. VCF-style: chrX-48898533-G-T. GRCh37 (hg19) VCF-style: chrX-48755816-G-T.
Other names: c.24G>T, p.Gln8His (NM_001032381.2, NM_001032383.2, NM_001032384.1 and 5 more transcripts); short protein forms Q8H.
Identifiers: ClinVar variation 2026133 (VCV002026133.4), dbSNP rs2519572749, ClinGen allele CA412886370.